The following is an entry in ClinVar:

NM_014712.3(SETD1A):c.734A>G (p.Gln245Arg)

Gene: SETD1A (SET domain containing 1A, histone lysine methyltransferase; plus strand). Cytogenetic location: 16p11.2.
Variant type: single nucleotide variant.
Coding change: c.734A>G on transcript NM_014712.3 (MANE Select); coding-DNA position 734, A replaced by G.
Protein change: p.Gln245Arg; replaces glutamine 245 with arginine.
Molecular consequence: missense variant.
Genome position (GRCh38, 1-based): chr16:30,964,188, A>G. VCF-style: chr16-30964188-A-G. GRCh37 (hg19) VCF-style: chr16-30975509-A-G.
Other names: short protein forms Q245R.
Identifiers: ClinVar variation 4885946 (VCV004885946.2).

ClinVar aggregate classification (germline): Uncertain significance (1 of 4 stars; one submission).

Submission:

Dasa
Classification: Uncertain significance. Last evaluated: 2026-01-27. Review status: criteria provided, single submitter. Criteria: DASA Assertion Criteria. Collection method: clinical testing. Allele origin: germline.
Comment: NM_014712.3(SETD1A):c.734A>G (p.Gln245Arg) is a missense variant that results in the substitution of glutamine with arginine. This variant is rare in population databases. The currently available literature and clinical evidence are not sufficient to establish a definitive association between this variant and the reported condition. Therefore, this variant is classified as a variant of uncertain significance.